The following is an entry in ClinVar:

ClinVar aggregate classification (germline): Uncertain significance (1 of 4 stars; one submission).

Conditions:
Charcot-Marie-Tooth disease axonal type 2P. Also called: Charcot-Marie-Tooth Neuropathy Type 2G; CHARCOT-MARIE-TOOTH DISEASE, AXONAL, TYPE 2G; CMT 2G; CHARCOT-MARIE-TOOTH NEUROPATHY, TYPE 2P. Identifiers: Orphanet 300319, Orphanet 99941, MedGen C3280797, MONDO:0013753, OMIM 614436.

Allele frequency attached by ClinVar (database versions not stated): gnomAD 0.00001; TOPMed 0.00001.
gnomAD v4.1: 1 of 1,614,024 alleles (0.000062%); highest among the groups gnomAD compares: African/African-American, 0.0013%; no homozygotes.

Submission:

Labcorp Genetics (formerly Invitae), Labcorp
Classification: Uncertain significance for Charcot-Marie-Tooth disease axonal type 2P. Last evaluated: 2021-05-20. Review status: criteria provided, single submitter. Criteria: Invitae Variant Classification Sherloc (09022015). Collection method: clinical testing. Allele origin: germline.
Comment: In summary, the available evidence is currently insufficient to determine the role of this variant in disease. Therefore, it has been classified as a Variant of Uncertain Significance. Algorithms developed to predict the effect of missense changes on protein structure and function (SIFT, PolyPhen-2, Align-GVGD) all suggest that this variant is likely to be disruptive, but these predictions have not been confirmed by published functional studies and their clinical significance is uncertain. This variant has not been reported in the literature in individuals with LRSAM1-related conditions. This variant is not present in population databases (ExAC no frequency). This sequence change replaces leucine with proline at codon 274 of the LRSAM1 protein (p.Leu274Pro). The leucine residue is highly conserved and there is a moderate physicochemical difference between leucine and proline.

NM_001005373.4(LRSAM1):c.821T>C (p.Leu274Pro)

Gene: LRSAM1 (leucine rich repeat and sterile alpha motif containing 1; plus strand). Cytogenetic location: 9q33.3.
Variant type: single nucleotide variant.
Coding change: c.821T>C on transcript NM_001005373.4 (MANE Select); coding-DNA position 821, T replaced by C.
Protein change: p.Leu274Pro; replaces leucine 274 with proline.
Molecular consequence: missense variant. On other transcripts: non-coding transcript variant (2).
Genome position (GRCh38, 1-based): chr9:127,479,423, T>C. VCF-style: chr9-127479423-T-C. GRCh37 (hg19) VCF-style: chr9-130241702-T-C.
Other names: c.821T>C, p.Leu274Pro (NM_001005374.4, NM_001190723.3, NM_001384142.1 and 2 more transcripts); c.32T>C, p.Leu11Pro (NM_001384144.1); short protein forms L11P, L274P.
Identifiers: ClinVar variation 1462489 (VCV001462489.8), dbSNP rs1160703093, ClinGen allele CA374931159.